The following is an entry in ClinVar:

ClinVar aggregate classification (germline): Pathogenic/Likely pathogenic. Review status: criteria provided, multiple submitters, no conflicts (2 of 4 stars). 3 submissions from 3 submitters: Pathogenic (1); Likely pathogenic (2). Last evaluated 2026-01-23.

Conditions:
Autosomal recessive polycystic kidney disease (ARPKD). Also called: AR polycystic kidney disease. Identifiers: Orphanet 731, Orphanet 8378, MedGen C0085548, MeSH D017044, MONDO:0009889.
Polycystic kidney disease 4 (PKD4). Also called: PKD3; POLYCYSTIC KIDNEY AND HEPATIC DISEASE 1; POLYCYSTIC KIDNEY DISEASE, INFANTILE, TYPE I; Autosomal Recessive Polycystic Kidney Disease – PKHD1; POLYCYSTIC KIDNEY DISEASE 4 WITH OR WITHOUT POLYCYSTIC LIVER DISEASE. Identifiers: MedGen C4540575, MONDO:0033004, OMIM 263200.

Allele frequency attached by ClinVar (database versions not stated): gnomAD exomes below 0.00001.
gnomAD v4.1: 6 of 1,614,178 alleles (0.00037%); highest among the groups gnomAD compares: Non-Finnish European, 0.00051%; no homozygotes.

Submissions (3):

Natera, Inc.
Classification: Likely pathogenic for Autosomal recessive polycystic kidney disease. Last evaluated: 2026-01-23. Review status: criteria provided, single submitter. Criteria: Natera Variant Classification Schema (03/2026). Collection method: clinical testing. Allele origin: germline.
Comment: The c.2257G>T variant in PKHD1 is a nonsense variant predicted to introduce a stop codon at amino acid 753. This variant is expected to result in nonsense mediated decay, truncation, or a dysfunctional protein product. This variant is rare in the general population with a frequency below the threshold expected for the associated phenotype(s). Given the available evidence, this variant is classified as Likely Pathogenic.

Fulgent Genetics
Classification: Likely pathogenic for Polycystic kidney disease 4. Last evaluated: 2024-05-21. Review status: criteria provided, single submitter. Criteria: ACMG Guidelines, 2015. Collection method: clinical testing. Allele origin: germline.

Labcorp Genetics (formerly Invitae), Labcorp
Classification: Pathogenic for Autosomal recessive polycystic kidney disease. Last evaluated: 2022-02-11. Review status: criteria provided, single submitter. Criteria: Invitae Variant Classification Sherloc (09022015). Collection method: clinical testing. Allele origin: germline.
Comment: For these reasons, this variant has been classified as Pathogenic. Algorithms developed to predict the effect of sequence changes on RNA splicing suggest that this variant may create or strengthen a splice site. ClinVar contains an entry for this variant (Variation ID: 941531). This variant has not been reported in the literature in individuals affected with PKHD1-related conditions. This variant is not present in population databases (gnomAD no frequency). This sequence change creates a premature translational stop signal (p.Glu753*) in the PKHD1 gene. It is expected to result in an absent or disrupted protein product. Loss-of-function variants in PKHD1 are known to be pathogenic (PMID: 19940839).

Literature cited by the submitters: PubMed 19940839 (cited by Labcorp Genetics (formerly Invitae), Labcorp).

NM_138694.4(PKHD1):c.2257G>T (p.Glu753Ter)

Gene: PKHD1 (PKHD1 ciliary IPT domain containing fibrocystin/polyductin; minus strand). Cytogenetic location: 6p12.2.
Variant type: single nucleotide variant.
Coding change: c.2257G>T on transcript NM_138694.4 (MANE Select); coding-DNA position 2257, G replaced by T.
Protein change: p.Glu753Ter; replaces glutamic acid 753 with a stop codon.
Molecular consequence: nonsense.
Genome position (GRCh38, 1-based): chr6:52,050,179, C>A on the plus strand (G>T on the coding strand, the complement: PKHD1 is on the minus strand). VCF-style: chr6-52050179-C-A. GRCh37 (hg19) VCF-style: chr6-51914977-C-A.
Other names: c.2257G>T, p.Glu753Ter (NM_170724.3); short protein forms E753*.
Identifiers: ClinVar variation 941531 (VCV000941531.11), dbSNP rs1806573538, ClinGen allele CA364443731.